The following is an entry in ClinVar:

ClinVar aggregate classification (germline): Uncertain significance. Review status: criteria provided, multiple submitters, no conflicts (2 of 4 stars). 2 submissions from 2 submitters: Uncertain significance (2). Last evaluated 2026-02-03.

Allele frequency attached by ClinVar (database versions not stated): gnomAD 0.00006 and 0.00013; TOPMed 0.00009; ExAC 0.00020; gnomAD exomes 0.00022; 1000 Genomes Project 30x 0.00031.
gnomAD v4.1: 244 of 1,613,964 alleles (0.015%); highest among the groups gnomAD compares: South Asian, 0.18%; 2 homozygotes.

Submissions (2):

GeneDx
Classification: Uncertain significance. Last evaluated: 2026-02-03. Review status: criteria provided, single submitter. Criteria: GeneDx Variant Classification Process June 2021. Collection method: clinical testing. Allele origin: germline. Affected: yes.
Comment: In silico analysis suggests that this missense variant does not alter protein structure/function; Has not been previously published as pathogenic or benign to our knowledge

Labcorp Genetics (formerly Invitae), Labcorp
Classification: Uncertain significance. Last evaluated: 2021-12-23. Review status: criteria provided, single submitter. Criteria: Invitae Variant Classification Sherloc (09022015). Collection method: clinical testing. Allele origin: germline.
Comment: This sequence change replaces isoleucine, which is neutral and non-polar, with valine, which is neutral and non-polar, at codon 1393 of the FAT1 protein (p.Ile1393Val). This variant is present in population databases (rs753226094, gnomAD 0.2%). This variant has not been reported in the literature in individuals affected with FAT1-related conditions. ClinVar contains an entry for this variant (Variation ID: 1310075). Algorithms developed to predict the effect of missense changes on protein structure and function (SIFT, PolyPhen-2, Align-GVGD) all suggest that this variant is likely to be disruptive. In summary, the available evidence is currently insufficient to determine the role of this variant in disease. Therefore, it has been classified as a Variant of Uncertain Significance.

NM_005245.4(FAT1):c.4177A>G (p.Ile1393Val)

Genes: FAT1 (FAT atypical cadherin 1; minus strand), LOC132089107 (Neanderthal introgressed variant-containing enhancer experimental_76895; plus strand). Cytogenetic location: 4q35.2.
Variant type: single nucleotide variant.
Coding change: c.4177A>G on transcript NM_005245.4 (MANE Select); coding-DNA position 4177, A replaced by G.
Protein change: p.Ile1393Val; replaces isoleucine 1393 with valine.
Molecular consequence: missense variant.
Genome position (GRCh38, 1-based): chr4:186,636,031, T>C on the plus strand (A>G on the coding strand, the complement: FAT1 is on the minus strand). VCF-style: chr4-186636031-T-C. GRCh37 (hg19) VCF-style: chr4-187557185-T-C.
Other names: short protein forms I1393V.
Identifiers: ClinVar variation 1310075 (VCV001310075.5), dbSNP rs753226094, ClinGen allele CA3166809.